The following is an entry in ClinVar:

ClinVar aggregate classification (germline): Likely pathogenic. Review status: reviewed by expert panel (3 of 4 stars). 2 submissions from 2 submitters: Likely pathogenic (1). 1 of the submissions does not count toward it. Last evaluated 2026-10-30.

Conditions:
RPGR-related retinopathy. Also called: RPGR retinopathy. Identifiers: MedGen CN305589, MONDO:0100437.
Primary ciliary dyskinesia. Also called: Ciliary dyskinesia. Identifiers: Orphanet 244, MedGen C0008780, MONDO:0016575, HP:0012265.

gnomAD v4.1: 1 of 1,212,000 alleles (0.000083%); no homozygotes.

Submissions (2):

ClinGen X-linked Inherited Retinal Disease Variant Curation Expert Panel, ClinGen
Classification: Likely pathogenic for RPGR-related retinopathy. Last evaluated: 2026-10-30. Review status: reviewed by expert panel. Criteria: ClinGen X LinkedIRD ACMG Specifications RPGR V1.0.0. Collection method: curation. Allele origin: germline. Inheritance: X-linked inheritance.
Comment: NM_001034853.2(RPGR):c.350G>A (p.Gly117Glu) is a missense variant predicted to cause substitution of glycine by glutamate at amino acid 117. This variant is absent from hemizygous individuals in gnomAD v4.1.2 (PM2_Supporting). At least one proband harboring this variant exhibits a phenotype that includes onset before 30 years old, with ERG/FAF results, and genetic testing by next-generation sequencing that did not identify an alternative basis for disease (2 pts), early-onset (1 pt), night blindness (0.5 pts), pigmentary retinopathy (0.5 pts), and reduced visual acuity (0.5 pts), which together are specific for RPGR-related retinopathy (4.5 Points, PMID: 39153854, PP4). This variant has been reported in at least 1 proband meeting one of the PS4 requirements of a male with some functional vision impairment by age 30 years and/or decreased or absent electroretinogram responses, or a female with functional visual abnormality and documentation of a male relative affected with retinitis pigmentosa, as well as a second apparently unrelated proband previously used for the PP4 code (PMIDs: 17195164, 19218993, 32209785, 36445968, 36819107, 40535564 PS4_Supporting). The variant has been reported to segregate with retinal dystrophy through at least 3 affected meioses in 1 family. (PP1_Moderate; PMID: 19218993). The computational predictor REVEL gives a score of 0.89, which is between the ClinGen X-linked IRD VCEP threshold of 0.773 to 0.931 and predicts a damaging effect on RPGR function (PP3_Moderate). In summary, this variant is classified as Likely Pathogenic for RPGR-related retinopathy based on the ClinGen X-linked Inherited Retinal Disease Expert Panel Specifications to the ACMG/AMP Variant Interpretation Guidelines for RPGR Version 1.0.0: PM2_Supporting, PP4, PS4_Supporting, PP1_Moderate, and PP3_Moderate.

Labcorp Genetics (formerly Invitae), Labcorp
Classification: Pathogenic for Primary ciliary dyskinesia. Last evaluated: 2024-02-24. Review status: criteria provided, single submitter. Criteria: Invitae Variant Classification Sherloc (09022015). Collection method: clinical testing. Allele origin: germline. Not counted in ClinVar's aggregate classification.
Comment: This sequence change replaces glycine, which is neutral and non-polar, with glutamic acid, which is acidic and polar, at codon 117 of the RPGR protein (p.Gly117Glu). This variant is not present in population databases (gnomAD no frequency). This missense change has been observed in individuals with retinitis pigmentosa (PMID: 17195164, 19218993). It has also been observed to segregate with disease in related individuals. This variant is also known as 409G>A. ClinVar contains an entry for this variant (Variation ID: 2138544). Advanced modeling of protein sequence and biophysical properties (such as structural, functional, and spatial information, amino acid conservation, physicochemical variation, residue mobility, and thermodynamic stability) performed at Invitae indicates that this missense variant is expected to disrupt RPGR protein function with a positive predictive value of 80%. For these reasons, this variant has been classified as Pathogenic.

Literature cited by the submitters: PubMed 17195164 (cited by Labcorp Genetics (formerly Invitae), Labcorp); PubMed 19218993 (cited by Labcorp Genetics (formerly Invitae), Labcorp).

NM_001034853.2(RPGR):c.350G>A (p.Gly117Glu)

Gene: RPGR (retinitis pigmentosa GTPase regulator; minus strand). Cytogenetic location: Xp11.4.
Variant type: single nucleotide variant.
Coding change: c.350G>A on transcript NM_001034853.2 (MANE Select); coding-DNA position 350, G replaced by A.
Protein change: p.Gly117Glu; replaces glycine 117 with glutamic acid.
Molecular consequence: missense variant. On other transcripts: non-coding transcript variant (6).
Genome position (GRCh38, 1-based): chrX:38,318,948, C>T on the plus strand (G>A on the coding strand, the complement: RPGR is on the minus strand). VCF-style: chrX-38318948-C-T. GRCh37 (hg19) VCF-style: chrX-38178201-C-T.
Other names: c.350G>A, p.Gly117Glu (NM_000328.3, NM_001367245.1, NM_001367246.1 and 3 more transcripts); c.380G>A, p.Gly127Glu (NM_001367248.1); c.347G>A, p.Gly116Glu (NM_001367249.1); short protein forms G116E, G117E, G127E.
Identifiers: ClinVar variation 2138544 (VCV002138544.5), dbSNP rs2519895135, ClinGen allele CA412745249.
Genomic context (GRCh38, chrX:38,318,948, plus strand): 5'-GTAAAAAAGCTAATTACATGAAAAGTGTTTCTTTCTTCGGTGTCACCAAGCCCCAACTGT[C>T]CTTCATTATTTCCACCAGTTGCATATACATTGCCTCCTTCTGCACATGGAAAAGAAAACG-3'
Protein context (NP_001030025.1, residues 107-127): NVYATGGNNE[Gly117Glu]QLGLGDTEER